The following is an entry in ClinVar:

NM_000129.4(F13A1):c.1688G>A (p.Gly563Glu)

Gene: F13A1 (coagulation factor XIII A chain; minus strand). Cytogenetic location: 6p25.1.
Variant type: single nucleotide variant.
Coding change: c.1688G>A on transcript NM_000129.4 (MANE Select); coding-DNA position 1688, G replaced by A.
Protein change: p.Gly563Glu; replaces glycine 563 with glutamic acid.
Molecular consequence: missense variant.
Genome position (GRCh38, 1-based): chr6:6,174,639, C>T on the plus strand (G>A on the coding strand, the complement: F13A1 is on the minus strand). VCF-style: chr6-6174639-C-T. GRCh37 (hg19) VCF-style: chr6-6174872-C-T.
Other names: p.Gly563Glu; short protein forms G563E.
Identifiers: ClinVar variation 3379630 (VCV003379630.1).
Genomic context (GRCh38, chr6:6,174,639, plus strand): 5'-CAGGACAAGGGCTCCAGCGTCACGTCGAACGTCTCCTTCTTGAATTCTGCCTTCGGGACC[C>T]CGGTGTAGAAGGTGATGTTGGCTGAGAGATAAGCTGTGATGGTGTAACGGTTGTGGCTGT-3'
Protein context (NP_000120.2, residues 553-573): YLSANITFYT[Gly563Glu]VPKAEFKKET

ClinVar aggregate classification (germline): Uncertain significance (1 of 4 stars; one submission).

gnomAD v4.1: 1 of 1,614,120 alleles (0.000062%); highest among the groups gnomAD compares: Non-Finnish European, 0.000085%; no homozygotes.

Submission:

Mayo Clinic Laboratories, Mayo Clinic
Classification: Uncertain significance. Last evaluated: 2024-01-31. Review status: criteria provided, single submitter. Criteria: ACMG Guidelines, 2015. Collection method: clinical testing. Allele origin: germline. Observed: 1 variant allele.
Comment: PP3, PM2_moderate, PM5